The following is an entry in ClinVar:

NM_015001.3(SPEN):c.5008G>C (p.Glu1670Gln)

Gene: SPEN (spen family transcriptional repressor; plus strand). Cytogenetic location: 1p36.13.
Variant type: single nucleotide variant.
Coding change: c.5008G>C on transcript NM_015001.3 (MANE Select); coding-DNA position 5008, G replaced by C.
Protein change: p.Glu1670Gln; replaces glutamic acid 1670 with glutamine.
Molecular consequence: missense variant.
Genome position (GRCh38, 1-based): chr1:15,931,248, G>C. VCF-style: chr1-15931248-G-C. GRCh37 (hg19) VCF-style: chr1-16257743-G-C.
Other names: short protein forms E1670Q.
Identifiers: ClinVar variation 4795606 (VCV004795606.2).

ClinVar aggregate classification (germline): Likely benign (1 of 4 stars; one submission).

Submission:

GeneDx
Classification: Likely benign. Last evaluated: 2026-03-06. Review status: criteria provided, single submitter. Criteria: GeneDx Variant Classification Process June 2021. Collection method: clinical testing. Allele origin: germline.
Comment: See Variant Classification Assertion Criteria.